The following is an entry in ClinVar:

ClinVar aggregate classification (germline): Uncertain significance. Review status: criteria provided, multiple submitters, no conflicts (2 of 4 stars). 2 submissions from 2 submitters: Uncertain significance (2). Last evaluated 2025-03-21.

Conditions:
Inborn genetic diseases. Identifiers: MedGen C0950123, MeSH D030342.

Allele frequency attached by ClinVar (database versions not stated): gnomAD exomes 0.00001 and 0.00002; gnomAD 0.00002; ExAC 0.00005.
gnomAD v4.1: 22 of 1,586,700 alleles (0.0014%); highest among the groups gnomAD compares: South Asian, 0.015%; no homozygotes.

Submissions (2):

Ambry Genetics
Classification: Uncertain significance for Inborn genetic diseases. Last evaluated: 2025-03-21. Review status: criteria provided, single submitter. Criteria: Ambry Variant Classification Scheme 2023. Collection method: clinical testing. Allele origin: germline.

Labcorp Genetics (formerly Invitae), Labcorp
Classification: Uncertain significance. Last evaluated: 2021-11-19. Review status: criteria provided, single submitter. Criteria: Invitae Variant Classification Sherloc (09022015). Collection method: clinical testing. Allele origin: germline.
Comment: In summary, the available evidence is currently insufficient to determine the role of this variant in disease. Therefore, it has been classified as a Variant of Uncertain Significance. Experimental studies and prediction algorithms are not available or were not evaluated, and the functional significance of this variant is currently unknown. This variant has not been reported in the literature in individuals affected with LTBP4-related conditions. This variant is present in population databases (rs745575576, gnomAD 0.02%). This sequence change replaces threonine, which is neutral and polar, with methionine, which is neutral and non-polar, at codon 338 of the LTBP4 protein (p.Thr338Met).

NM_001042545.2(LTBP4):c.923C>T (p.Thr308Met)

Genes: LTBP4 (latent transforming growth factor beta binding protein 4; plus strand), LOC121627876 (Sharpr-MPRA regulatory region 12022; plus strand). Cytogenetic location: 19q13.2.
Variant type: single nucleotide variant.
Coding change: c.923C>T on transcript NM_001042545.2 (MANE Select); coding-DNA position 923, C replaced by T.
Protein change: p.Thr308Met; replaces threonine 308 with methionine.
Molecular consequence: missense variant.
Genome position (GRCh38, 1-based): chr19:40,606,458, C>T. VCF-style: chr19-40606458-C-T. GRCh37 (hg19) VCF-style: chr19-41112364-C-T.
Other names: c.1124C>T, p.Thr375Met (NM_001042544.1); c.1013C>T, p.Thr338Met (NM_003573.2); short protein forms T338M, T308M, T375M.
Identifiers: ClinVar variation 1496054 (VCV001496054.7), dbSNP rs745575576, ClinGen allele CA9448144.
Genomic context (GRCh38, chr19:40,606,458, plus strand): 5'-TGGCAGATGTGGATGAGTGCGCGACTGGCGGGCGCTGCCAGCACGGCGAGTGTGCAAACA[C>T]GCGCGGCGGGTACACGTGTGTGTGCCCCGACGGCTTTCTGCTCGACTCGTCCCGCAGCAG-3'
Protein context (NP_001036010.1, residues 298-318): GRCQHGECAN[Thr308Met]RGGYTCVCPD